The following is an entry in ClinVar:

NM_000291.4(PGK1):c.761G>C (p.Gly254Ala)

Gene: PGK1 (phosphoglycerate kinase 1; plus strand). Cytogenetic location: Xq21.1.
Variant type: single nucleotide variant.
Coding change: c.761G>C on transcript NM_000291.4 (MANE Select); coding-DNA position 761, G replaced by C.
Protein change: p.Gly254Ala; replaces glycine 254 with alanine.
Molecular consequence: missense variant.
Genome position (GRCh38, 1-based): chrX:78,123,199, G>C. VCF-style: chrX-78123199-G-C. GRCh37 (hg19) VCF-style: chrX-77378696-G-C.
Other names: p.Gly254Ala; short protein forms G254A.
Identifiers: ClinVar variation 1693792 (VCV001693792.10), dbSNP rs148399096, ClinGen allele CA10459768.
Genomic context (GRCh38, chrX:78,123,199, plus strand): 5'-GCAGTCTTGTTCTTAGTATAGATGCTGACCTCCATCATTTTGGCTCCCCTGTGTAGATTG[G>C]CACTTCTCTGTTTGATGAAGAGGGAGCCAAGATTGTCAAAGACCTAATGTCCAAAGCTGA-3'
Protein context (NP_000282.1, residues 244-264): FLKVLNNMEI[Gly254Ala]TSLFDEEGAK

ClinVar aggregate classification (germline): Conflicting classifications of pathogenicity. Review status: criteria provided, conflicting classifications (1 of 4 stars). 4 submissions from 4 submitters: Uncertain significance (2); Benign (1). 1 of the submissions does not count toward it. Last evaluated 2025-03-01.

Conditions:
Glycogen storage disease due to phosphoglycerate kinase 1 deficiency. Also called: PGK1 DEFICIENCY; PHOSPHOGLYCERATE KINASE 1 DEFICIENCY WITH LEVO-DOPA-RESPONSIVE PARKINSONISM. Identifiers: Orphanet 713, MedGen C1970848, MONDO:0010392, OMIM 300653.
PGK1-related disorder. Also called: PGK1-related condition.

Allele frequency attached by ClinVar (database versions not stated): 1000 Genomes Project 30x 0.00021; gnomAD exomes 0.00004 and 0.00001; gnomAD 0.00015 and 0.00014; TOPMed 0.00018; ESP Exome Variant Server 0.00019; 1000 Genomes Project 0.00026; ExAC 0.00006.
gnomAD v4.1: 29 of 1,199,600 alleles (0.0024%); highest among the groups gnomAD compares: African/African-American, 0.048%; no homozygotes.

Submissions (4):

Labcorp Genetics (formerly Invitae), Labcorp
Classification: Benign. Last evaluated: 2025-03-01. Review status: criteria provided, single submitter. Criteria: Invitae Variant Classification Sherloc (09022015). Collection method: clinical testing. Allele origin: germline.

Fulgent Genetics
Classification: Uncertain significance for Glycogen storage disease due to phosphoglycerate kinase 1 deficiency. Last evaluated: 2022-04-13. Review status: criteria provided, single submitter. Criteria: ACMG Guidelines, 2015. Collection method: clinical testing. Allele origin: unknown.

Mayo Clinic Laboratories, Mayo Clinic
Classification: Uncertain significance. Last evaluated: 2021-09-23. Review status: criteria provided, single submitter. Criteria: ACMG Guidelines, 2015. Collection method: clinical testing. Allele origin: germline.

PreventionGenetics, part of Exact Sciences
Classification: Likely benign for PGK1-related condition. Last evaluated: 2021-09-20. Review status: no assertion criteria provided. Collection method: clinical testing. Allele origin: germline. Not counted in ClinVar's aggregate classification.
Comment: This variant is classified as likely benign based on ACMG/AMP sequence variant interpretation guidelines (Richards et al. 2015 PMID: 25741868, with internal and published modifications).